The following is an entry in ClinVar:

ClinVar aggregate classification (germline): Benign. Review status: reviewed by expert panel (3 of 4 stars). 12 submissions from 12 submitters: Benign (1). 11 of the submissions do not count toward it. Last evaluated 2016-12-15.

Conditions:
MYH7-related disorder. Also called: MYH7-related condition; MYH7-related disease; MYH7-related disorders.
Cardiomyopathy (CMYO). Also called: Cardiomyopathies. Identifiers: Orphanet 167848, MedGen C0878544, MONDO:0004994, HP:0001638. Inheritance: Various modes of inheritance.
Hypertrophic cardiomyopathy. Also called: HYPERTROPHIC MYOCARDIOPATHY. Identifiers: Orphanet 217569, MedGen C0007194, MeSH D002312, MONDO:0005045, HP:0001639.

Allele frequency attached by ClinVar (database versions not stated): gnomAD exomes 0.00008 and 0.00016; ExAC 0.00024; 1000 Genomes Project 0.00040; 1000 Genomes Project 30x 0.00047; gnomAD 0.00068 and 0.00071; TOPMed 0.00074; ESP Exome Variant Server 0.00146.
gnomAD v4.1: 214 of 1,614,196 alleles (0.013%); highest among the groups gnomAD compares: African/African-American, 0.26%; 1 homozygote.

Submissions (12):

ClinGen Cardiomyopathy Variant Curation Expert Panel
Classification: Benign for Cardiomyopathy. Last evaluated: 2016-12-15. Review status: reviewed by expert panel. Criteria: ClinGen CMP ACMG Specifications v1. Collection method: curation. Allele origin: germline. Inheritance: Autosomal dominant inheritance.
Comment: The filtering allele frequency of the c.2553C>A (p.Ser851=) variant in the MYH7 gene is 0.18% (27/10406) of African chromosomes by the Exome Aggregation Consortium, which is a high enough frequency to be classified as benign based on thresholds defined by the ClinGen Inherited Cardiomyopathy Expert Panel (BA1; PMID:29300372).

Women's Health and Genetics/Laboratory Corporation of America, LabCorp
Classification: Likely benign. Last evaluated: 2026-06-16. Review status: criteria provided, single submitter. Criteria: LabCorp Variant Classification Summary - May 2015. Collection method: clinical testing. Allele origin: germline. Not counted in ClinVar's aggregate classification.

Labcorp Genetics (formerly Invitae), Labcorp
Classification: Benign for Hypertrophic cardiomyopathy. Last evaluated: 2026-01-06. Review status: criteria provided, single submitter. Criteria: Invitae Variant Classification Sherloc (09022015). Collection method: clinical testing. Allele origin: germline. Not counted in ClinVar's aggregate classification.

ARUP Laboratories, Molecular Genetics and Genomics, ARUP Laboratories
Classification: Likely benign. Last evaluated: 2025-06-18. Review status: criteria provided, single submitter. Criteria: ARUP Molecular Germline Variant Investigation Process 2024. Collection method: clinical testing. Allele origin: germline. Not counted in ClinVar's aggregate classification.

Mayo Clinic Laboratories, Mayo Clinic
Classification: Benign. Last evaluated: 2025-03-11. Review status: criteria provided, single submitter. Criteria: ACMG Guidelines, 2015. Collection method: clinical testing. Allele origin: germline. Observed: 1 variant allele. Not counted in ClinVar's aggregate classification.
Comment: BS1, BS2, BP4, BP7

Blueprint Genetics
Classification: Likely benign. Last evaluated: 2024-11-26. Review status: criteria provided, single submitter. Criteria: ACMG Guidelines, 2015. Collection method: clinical testing. Allele origin: germline. Not counted in ClinVar's aggregate classification.

All of Us Research Program, National Institutes of Health
Classification: Benign for Cardiomyopathy. Last evaluated: 2024-02-05. Review status: criteria provided, single submitter. Criteria: ACMG Guidelines, 2015. Collection method: clinical testing. Allele origin: germline. Inheritance: Autosomal dominant inheritance. Observed: 54 variant alleles, 54 heterozygotes. Not counted in ClinVar's aggregate classification.
Comment: This study involves interpretation of variants in research participants for the purpose of population health screening. Participant phenotype was not available at the time of variant classification. Additional details can be found in publication PMID: 35346344, PMCID: PMC8962531

Color Diagnostics, LLC DBA Color Health
Classification: Benign for Cardiomyopathy. Last evaluated: 2018-08-29. Review status: criteria provided, single submitter. Criteria: ACMG Guidelines, 2015. Collection method: clinical testing. Allele origin: germline. Not counted in ClinVar's aggregate classification.

Laboratory for Molecular Medicine, Mass General Brigham Personalized Medicine
Classification: Benign. Last evaluated: 2016-04-20. Review status: criteria provided, single submitter. Criteria: LMM Criteria. Collection method: clinical testing. Allele origin: germline. Observed: 4 variant alleles. Not counted in ClinVar's aggregate classification.
Comment: proposed classification - variant undergoing re-assessment, contact laboratory

GeneDx
Classification: Benign. Last evaluated: 2012-04-07. Review status: criteria provided, single submitter. Criteria: GeneDx Variant Classification (06012015). Collection method: clinical testing. Allele origin: germline. Affected: yes. Not counted in ClinVar's aggregate classification.
Comment: This variant is considered likely benign or benign based on one or more of the following criteria: it is a conservative change, it occurs at a poorly conserved position in the protein, it is predicted to be benign by multiple in silico algorithms, and/or has population frequency not consistent with disease.

Breakthrough Genomics
Classification: Benign. Review status: criteria provided, single submitter. Criteria: ACMG Guidelines, 2015. Collection method: not provided. Allele origin: germline. Inheritance: Autosomal recessive inheritance. Affected: yes. Not counted in ClinVar's aggregate classification.

PreventionGenetics, part of Exact Sciences
Classification: Likely benign for MYH7-related condition. Last evaluated: 2019-07-23. Review status: no assertion criteria provided. Collection method: clinical testing. Allele origin: germline. Not counted in ClinVar's aggregate classification.
Comment: This variant is classified as likely benign based on ACMG/AMP sequence variant interpretation guidelines (Richards et al. 2015 PMID: 25741868, with internal and published modifications).

Literature cited by the submitters: PubMed 29300372 (cited by ClinGen Cardiomyopathy Variant Curation Expert Panel); PubMed 20800588 (cited by Women's Health and Genetics/Laboratory Corporation of America, LabCorp).

NM_000257.4(MYH7):c.2553C>A (p.Ser851=)

Genes: MYH7 (myosin heavy chain 7; minus strand), LOC126861898 (BRD4-independent group 4 enhancer GRCh37_chr14:23893609-23894808; plus strand). Cytogenetic location: 14q11.2.
Variant type: single nucleotide variant.
Coding change: c.2553C>A on transcript NM_000257.4 (MANE Select); coding-DNA position 2553, C replaced by A.
Protein change: p.Ser851=; no amino-acid change (serine 851 retained).
Molecular consequence: synonymous variant.
Genome position (GRCh38, 1-based): chr14:23,424,895, G>T on the plus strand (C>A on the coding strand, the complement: MYH7 is on the minus strand). VCF-style: chr14-23424895-G-T. GRCh37 (hg19) VCF-style: chr14-23894104-G-T.
Other names: p.S851S:TCC>TCA; NM_000257.3(MYH7):c.2553C>A.
Identifiers: ClinVar variation 42915 (VCV000042915.25), dbSNP rs144291282, ClinGen allele CA012605.